The following is an entry in ClinVar:

NM_006415.4(SPTLC1):c.608G>A (p.Arg203His)

Gene: SPTLC1 (serine palmitoyltransferase long chain base subunit 1; minus strand). Cytogenetic location: 9q22.31.
Variant type: single nucleotide variant.
Coding change: c.608G>A on transcript NM_006415.4 (MANE Select); coding-DNA position 608, G replaced by A.
Protein change: p.Arg203His; replaces arginine 203 with histidine.
Molecular consequence: missense variant.
Genome position (GRCh38, 1-based): chr9:92,059,261, C>T on the plus strand (G>A on the coding strand, the complement: SPTLC1 is on the minus strand). VCF-style: chr9-92059261-C-T. GRCh37 (hg19) VCF-style: chr9-94821543-C-T.
Other names: c.608G>A, p.Arg203His (NM_001281303.2); c.242G>A, p.Arg81His (NM_001368272.1); c.143G>A, p.Arg48His (NM_001368273.1); short protein forms R203H, R81H, R48H.
Identifiers: ClinVar variation 568972 (VCV000568972.8), dbSNP rs778759719, ClinGen allele CA5121493.

ClinVar aggregate classification (germline): Uncertain significance (1 of 4 stars; one submission).

Conditions:
Hereditary sensory and autonomic neuropathy type 1 (HSAN1). Also called: HSAN 1; HSN Type I; Hereditary Sensory Neuropathy Type I. Identifiers: Orphanet 36386, MedGen C0020071, MONDO:0018213.

Allele frequency attached by ClinVar (database versions not stated): gnomAD exomes 0.00001; ExAC 0.00001.
gnomAD v4.1: 8 of 1,613,992 alleles (0.0005%); highest among the groups gnomAD compares: Admixed American, 0.0017%; no homozygotes.

Submission:

Labcorp Genetics (formerly Invitae), Labcorp
Classification: Uncertain significance for Hereditary sensory and autonomic neuropathy type 1. Last evaluated: 2024-02-17. Review status: criteria provided, single submitter. Criteria: Invitae Variant Classification Sherloc (09022015). Collection method: clinical testing. Allele origin: germline.
Comment: This sequence change replaces arginine, which is basic and polar, with histidine, which is basic and polar, at codon 203 of the SPTLC1 protein (p.Arg203His). This variant is present in population databases (rs778759719, gnomAD 0.002%). This variant has not been reported in the literature in individuals affected with SPTLC1-related conditions. ClinVar contains an entry for this variant (Variation ID: 568972). Advanced modeling of protein sequence and biophysical properties (such as structural, functional, and spatial information, amino acid conservation, physicochemical variation, residue mobility, and thermodynamic stability) performed at Invitae indicates that this missense variant is expected to disrupt SPTLC1 protein function with a positive predictive value of 80%. In summary, the available evidence is currently insufficient to determine the role of this variant in disease. Therefore, it has been classified as a Variant of Uncertain Significance.